The following is an entry in ClinVar:

ClinVar aggregate classification (germline): Uncertain significance (1 of 4 stars; one submission).

Submission:

GeneDx
Classification: Uncertain significance. Last evaluated: 2025-04-10. Review status: criteria provided, single submitter. Criteria: GeneDx Variant Classification Process June 2021. Collection method: clinical testing. Allele origin: germline. Affected: yes.
Comment: Not observed at significant frequency in large population cohorts (gnomAD); In silico analysis indicates that this variant does not alter protein structure/function; Has not been previously published as pathogenic or benign to our knowledge

NM_015076.5(CDK19):c.818_820delinsATG (p.Met273_Pro274delinsAsnAla)

Gene: CDK19 (cyclin dependent kinase 19; minus strand). Cytogenetic location: 6q21.
Variant type: Indel.
Coding change: c.818_820delinsATG on transcript NM_015076.5 (MANE Select); coding-DNA positions 818 to 820, TGC replaced by ATG.
Protein change: p.Met273_Pro274delinsAsnAla.
Molecular consequence: missense variant.
Genome position (GRCh38, 1-based): chr6:110,626,816-110,626,818, GCA replaced by CAT on the plus strand (TGC replaced by ATG on the coding strand, the reverse complement: CDK19 is on the minus strand). VCF-style: chr6-110626816-GCA-CAT. GRCh37 (hg19) VCF-style: chr6-110948019-GCA-CAT.
Other names: c.686_688delinsATG, p.Met229_Pro230delinsAsnAla (NM_001300960.2); c.638_640delinsATG, p.Met213_Pro214delinsAsnAla (NM_001300963.2, NM_001300964.2).
Identifiers: ClinVar variation 4282079 (VCV004282079.1).